The following is an entry in ClinVar:

NM_001129.5(AEBP1):c.3305_3328del (p.Gly1102_Phe1109del)

Gene: AEBP1 (AE binding protein 1; plus strand). Cytogenetic location: 7p13.
Variant type: Deletion.
Coding change: c.3305_3328del on transcript NM_001129.5 (MANE Select); coding-DNA positions 3305 to 3328, 24 bases deleted (GGACCAAGGTGGAGCCCGAGTTTG).
Protein change: p.Gly1102_Phe1109del.
Molecular consequence: inframe deletion.
Genome position (GRCh38, 1-based): chr7:44,114,089-44,114,112, GGACCAAGGTGGAGCCCGAGTTTG deleted; deleting any 24 consecutive bases within chr7:44,114,071-44,114,112 gives the same sequence; the c. name uses the placement nearest the transcript's 3' end. VCF-style (leftmost placement, unchanged base first): chr7-44114070-GAGGTGGAGCCCGAGTTTGGGACCA-G. GRCh37 (hg19) VCF-style: chr7-44153669-GAGGTGGAGCCCGAGTTTGGGACCA-G.
Other names: p.Gly1102_Phe1109del.
Identifiers: ClinVar variation 1304032 (VCV001304032.12), dbSNP rs749171107, ClinGen allele CA4238450.

ClinVar aggregate classification (germline): Uncertain significance. Review status: criteria provided, multiple submitters, no conflicts (2 of 4 stars). 3 submissions from 3 submitters: Uncertain significance (3). Last evaluated 2026-09-15.

Submissions (3):

GeneDx
Classification: Uncertain significance. Last evaluated: 2026-09-15. Review status: criteria provided, single submitter. Criteria: GeneDx Variant Classification Process June 2021. Collection method: clinical testing. Allele origin: germline.
Comment: In-frame deletion of 8 amino acids in a non-repeat region; In silico analysis indicates that this variant does not alter protein structure/function; Has not been previously published as pathogenic or benign to our knowledge

Mayo Clinic Laboratories, Mayo Clinic
Classification: Uncertain significance. Last evaluated: 2025-07-17. Review status: criteria provided, single submitter. Criteria: ACMG Guidelines, 2015. Collection method: clinical testing. Allele origin: germline. Observed: 1 variant allele.
Comment: PM4

Labcorp Genetics (formerly Invitae), Labcorp
Classification: Uncertain significance. Last evaluated: 2022-06-07. Review status: criteria provided, single submitter. Criteria: Invitae Variant Classification Sherloc (09022015). Collection method: clinical testing. Allele origin: germline.
Comment: This variant, c.3305_3328del, results in the deletion of 8 amino acid(s) of the AEBP1 protein (p.Gly1102_Phe1109del), but otherwise preserves the integrity of the reading frame. This variant is present in population databases (rs749171107, gnomAD 0.02%). This variant has not been reported in the literature in individuals affected with AEBP1-related conditions. ClinVar contains an entry for this variant (Variation ID: 1304032). Experimental studies and prediction algorithms are not available or were not evaluated, and the functional significance of this variant is currently unknown. In summary, the available evidence is currently insufficient to determine the role of this variant in disease. Therefore, it has been classified as a Variant of Uncertain Significance.